The following is an entry in ClinVar:

NM_000170.3(GLDC):c.1401+1G>A

Gene: GLDC (glycine decarboxylase; minus strand). Cytogenetic location: 9p24.1.
Variant type: single nucleotide variant.
Coding change: c.1401+1G>A on transcript NM_000170.3 (MANE Select); the canonical splice donor site of the intron after coding-DNA position 1401, G replaced by A.
Molecular consequence: splice donor variant.
Genome position (GRCh38, 1-based): chr9:6,592,850, C>T on the plus strand (G>A on the coding strand, the complement: GLDC is on the minus strand). VCF-style: chr9-6592850-C-T. GRCh37 (hg19) VCF-style: chr9-6592850-C-T.
Identifiers: ClinVar variation 558458 (VCV000558458.16), dbSNP rs1211616091, ClinGen allele CA372893891.

ClinVar aggregate classification (germline): Pathogenic/Likely pathogenic. Review status: criteria provided, multiple submitters, no conflicts (2 of 4 stars). 6 submissions from 6 submitters: Pathogenic (1); Likely pathogenic (4). 1 of the submissions does not count toward it. Last evaluated 2026-04-15.

Conditions:
Glycine encephalopathy. Also called: Nonketotic hyperglycinemia; Non-ketotic hyperglycinemia. Identifiers: Orphanet 407, MedGen C0751748, MONDO:0011612, HP:0008288.
Glycine encephalopathy 1 (GCE1). Identifiers: MedGen CN376801, MONDO:0958179, OMIM 605899.
Inborn genetic diseases. Identifiers: MedGen C0950123, MeSH D030342.

Allele frequency attached by ClinVar (database versions not stated): gnomAD exomes below 0.00001; TOPMed below 0.00001; gnomAD 0.00001.

Submissions (6):

Ambry Genetics
Classification: Likely pathogenic for Inborn genetic diseases. Last evaluated: 2026-04-15. Review status: criteria provided, single submitter. Criteria: Ambry Variant Classification Scheme 2023. Collection method: clinical testing. Allele origin: germline.
Comment: The c.1401+1G>A intronic variant consists of a G to A substitution one nucleotide after exon 10 (coding exon 10) of the GLDC gene. Variants that disrupt the canonical splice site are expected to cause aberrant splicing, resulting in an abnormal protein or a transcript that is subject to nonsense-mediated mRNA decay. This variant was not reported in population-based cohorts in the Genome Aggregation Database (gnomAD). This nucleotide position is highly conserved in available vertebrate species. In silico splice site analysis predicts that this alteration will weaken the native splice donor site. Based on the available evidence, this alteration is classified as likely pathogenic.

Revvity Omics, Revvity
Classification: Likely pathogenic for Glycine encephalopathy 1. Last evaluated: 2024-04-04. Review status: criteria provided, single submitter. Criteria: ACMG Guidelines, 2015. Collection method: clinical testing. Allele origin: germline.

Fulgent Genetics
Classification: Likely pathogenic for Glycine encephalopathy 1. Last evaluated: 2024-02-02. Review status: criteria provided, single submitter. Criteria: ACMG Guidelines, 2015. Collection method: clinical testing. Allele origin: germline.

Labcorp Genetics (formerly Invitae), Labcorp
Classification: Pathogenic for Glycine encephalopathy. Last evaluated: 2023-11-15. Review status: criteria provided, single submitter. Criteria: Invitae Variant Classification Sherloc (09022015). Collection method: clinical testing. Allele origin: germline.
Comment: This sequence change affects a donor splice site in intron 10 of the GLDC gene. It is expected to disrupt RNA splicing. Variants that disrupt the donor or acceptor splice site typically lead to a loss of protein function (PMID: 16199547), and loss-of-function variants in GLDC are known to be pathogenic (PMID: 16601880). This variant is not present in population databases (gnomAD no frequency). Disruption of this splice site has been observed in individual(s) with glycine encephalopathy (Invitae). In at least one individual the data is consistent with being in trans (on the opposite chromosome) from a pathogenic variant. ClinVar contains an entry for this variant (Variation ID: 558458). Algorithms developed to predict the effect of sequence changes on RNA splicing suggest that this variant may disrupt the consensus splice site. For these reasons, this variant has been classified as Pathogenic.

Juno Genomics, Hangzhou Juno Genomics, Inc
Classification: Likely pathogenic for Glycine encephalopathy 1. Review status: criteria provided, single submitter. Criteria: ACMG Guidelines, 2015. Collection method: clinical testing. Allele origin: germline.
Comment: Null variant in a gene where loss of function (LOF) is a known mechanism of disease.;Absent from controls (or at extremely low frequency if recessive) in Genome Aggregation Database.

Counsyl
Classification: Likely pathogenic for Glycine encephalopathy 1. Last evaluated: 2018-05-23. Review status: no assertion criteria provided. Collection method: clinical testing. Allele origin: unknown. Not counted in ClinVar's aggregate classification.

Literature cited by the submitters: PubMed 16199547 (cited by Labcorp Genetics (formerly Invitae), Labcorp); PubMed 16601880 (cited by Labcorp Genetics (formerly Invitae), Labcorp).